The following is an entry in ClinVar:

NM_001080449.3(DNA2):c.2697+18T>C

Gene: DNA2 (DNA replication helicase/nuclease 2; minus strand). Cytogenetic location: 10q21.3.
Variant type: single nucleotide variant.
Coding change: c.2697+18T>C on transcript NM_001080449.3 (MANE Select); 18 bases into the intron after coding-DNA position 2697, T replaced by C.
Molecular consequence: intron variant.
Genome position (GRCh38, 1-based): chr10:68,422,207, A>G on the plus strand (T>C on the coding strand, the complement: DNA2 is on the minus strand). VCF-style: chr10-68422207-A-G. GRCh37 (hg19) VCF-style: chr10-70181964-A-G.
Identifiers: ClinVar variation 385856 (VCV000385856.12), dbSNP rs190301454, ClinGen allele CA5524763.
Genomic context (GRCh38, chr10:68,422,207, plus strand): 5'-GGCATGTGCTAATGAAAACTGAGAAATTTAAATAATAGGACAAAATGAGAAAAACTAAAC[A>G]GAAATTTTTTTTTTTACCTTGTCTGTATTAAGGAAACAAACAGGATTGTTGGGTTCAAAT-3'

ClinVar aggregate classification (germline): Benign/Likely benign. Review status: criteria provided, multiple submitters, no conflicts (2 of 4 stars). 4 submissions from 4 submitters: Benign (1); Likely benign (3). Last evaluated 2026-01-18.

Allele frequency attached by ClinVar (database versions not stated): TOPMed 0.00068; ExAC 0.00089; ESP Exome Variant Server 0.00017; gnomAD exomes 0.00030 and 0.00050; gnomAD 0.00040 and 0.00041.
gnomAD v4.1: 521 of 1,505,636 alleles (0.035%); highest among the groups gnomAD compares: Middle Eastern, 0.35%; 2 homozygotes.

Submissions (4):

Labcorp Genetics (formerly Invitae), Labcorp
Classification: Benign. Last evaluated: 2026-01-18. Review status: criteria provided, single submitter. Criteria: Invitae Variant Classification Sherloc (09022015). Collection method: clinical testing. Allele origin: germline.

Center for Pediatric Genomic Medicine, Children's Mercy Hospital and Clinics
Classification: Likely benign. Last evaluated: 2017-06-12. Review status: criteria provided, single submitter. Criteria: ACMG Guidelines, 2015. Collection method: clinical testing. Allele origin: germline.

GeneDx
Classification: Likely benign. Last evaluated: 2016-12-21. Review status: criteria provided, single submitter. Criteria: GeneDx Variant Classification (06012015). Collection method: clinical testing. Allele origin: germline. Affected: yes.
Comment: This variant is considered likely benign or benign based on one or more of the following criteria: it is a conservative change, it occurs at a poorly conserved position in the protein, it is predicted to be benign by multiple in silico algorithms, and/or has population frequency not consistent with disease.

Breakthrough Genomics
Classification: Likely benign. Review status: criteria provided, single submitter. Criteria: ACMG Guidelines, 2015. Collection method: not provided. Allele origin: germline. Inheritance: Autosomal recessive inheritance. Affected: yes.